The following is an entry in ClinVar:

ClinVar aggregate classification (germline): Benign/Likely benign. Review status: criteria provided, multiple submitters, no conflicts (2 of 4 stars). 6 submissions from 6 submitters: Benign (3); Likely benign (2). 1 of the submissions does not count toward it. Last evaluated 2025-11-16.

Conditions:
Marfan syndrome (MFS). Also called: Marfan syndrome, classic; FBN1-Related Marfan Syndrome; Marfan syndrome type 1; Marfan's syndrome; MARFAN SYNDROME, TYPE I. Identifiers: Orphanet 284963, Orphanet 558, MedGen C0024796, MONDO:0007947, OMIM 154700.
Familial thoracic aortic aneurysm and aortic dissection (TAAD). Also called: Thoracic aortic aneurysms and dissections. Identifiers: Orphanet 91387, MedGen C4707243, MONDO:0019625.

Allele frequency attached by ClinVar (database versions not stated): gnomAD 0.00067 and 0.00063; gnomAD exomes 0.00028 and 0.00062; 1000 Genomes Project 30x 0.00031; TOPMed 0.00002; ExAC 0.00047; 1000 Genomes Project 0.00040.
gnomAD v4.1: 502 of 1,613,950 alleles (0.031%); highest among the groups gnomAD compares: Non-Finnish European, 0.0017%; 2 homozygotes.

Submissions (6):

Labcorp Genetics (formerly Invitae), Labcorp
Classification: Benign for Marfan syndrome; Familial thoracic aortic aneurysm and aortic dissection. Last evaluated: 2025-11-16. Review status: criteria provided, single submitter. Criteria: Invitae Variant Classification Sherloc (09022015). Collection method: clinical testing. Allele origin: germline.

Blueprint Genetics
Classification: Likely benign. Last evaluated: 2024-10-04. Review status: criteria provided, single submitter. Criteria: ACMG Guidelines, 2015. Collection method: clinical testing. Allele origin: germline.

All of Us Research Program, National Institutes of Health
Classification: Benign for Marfan syndrome. Last evaluated: 2024-02-05. Review status: criteria provided, single submitter. Criteria: ACMG Guidelines, 2015. Collection method: clinical testing. Allele origin: germline. Inheritance: Autosomal dominant inheritance. Observed: 8 variant alleles, 8 heterozygotes.
Comment: This study involves interpretation of variants in research participants for the purpose of population health screening. Participant phenotype was not available at the time of variant classification. Additional details can be found in publication PMID: 35346344, PMCID: PMC8962531

Color Diagnostics, LLC DBA Color Health
Classification: Benign for Familial thoracic aortic aneurysm and aortic dissection. Last evaluated: 2018-12-06. Review status: criteria provided, single submitter. Criteria: ACMG Guidelines, 2015. Collection method: clinical testing. Allele origin: germline.

GeneDx
Classification: Likely benign. Last evaluated: 2018-11-13. Review status: criteria provided, single submitter. Criteria: GeneDx Variant Classification Process June 2021. Collection method: clinical testing. Allele origin: germline. Affected: yes.

Center for Medical Genetics Ghent, University of Ghent
Classification: Likely benign for Marfan syndrome. Last evaluated: 2017-11-07. Review status: no assertion criteria provided. Collection method: clinical testing. Allele origin: germline. Affected: yes. Not counted in ClinVar's aggregate classification.

NM_000138.5(FBN1):c.3077T>C (p.Phe1026Ser)

Gene: FBN1 (fibrillin 1; minus strand). Cytogenetic location: 15q21.1.
Variant type: single nucleotide variant.
Coding change: c.3077T>C on transcript NM_000138.5 (MANE Select); coding-DNA position 3077, T replaced by C.
Protein change: p.Phe1026Ser; replaces phenylalanine 1026 with serine.
Molecular consequence: missense variant.
Genome position (GRCh38, 1-based): chr15:48,489,856, A>G on the plus strand (T>C on the coding strand, the complement: FBN1 is on the minus strand). VCF-style: chr15-48489856-A-G. GRCh37 (hg19) VCF-style: chr15-48782053-A-G.
Other names: p.F1026S:TTC>TCC; short protein forms F1026S.
Identifiers: ClinVar variation 199948 (VCV000199948.18), dbSNP rs200381100, ClinGen allele CA013756.